The following is an entry in ClinVar:

ClinVar aggregate classification (germline): Pathogenic (1 of 4 stars; one submission).

Conditions:
Osteogenesis imperfecta type 7 (OI7). Also called: OI type 7; OI type VII; OSTEOGENESIS IMPERFECTA, TYPE IIB; Osteogenesis imperfecta type 2B; OI type 2B; Osteogenesis imperfecta, perinatal lethal autosomal recessive. Identifiers: MedGen C1853162, MONDO:0012536, OMIM 610682.

Allele frequency attached by ClinVar (database versions not stated): gnomAD exomes below 0.00001; gnomAD 0.00001; TOPMed 0.00002.

Submission:

Labcorp Genetics (formerly Invitae), Labcorp
Classification: Pathogenic for Osteogenesis imperfecta type 7. Last evaluated: 2025-09-24. Review status: criteria provided, single submitter. Criteria: Invitae Variant Classification Sherloc (09022015). Collection method: clinical testing. Allele origin: germline.
Comment: This sequence change creates a premature translational stop signal (p.Lys254Argfs*10) in the CRTAP gene. It is expected to result in an absent or disrupted protein product. Loss-of-function variants in CRTAP are known to be pathogenic (PMID: 17055431, 19862557, 24715559). This variant is present in population databases (no rsID available, gnomAD 0.0009%). This variant has not been reported in the literature in individuals affected with CRTAP-related conditions. ClinVar contains an entry for this variant (Variation ID: 2886785). For these reasons, this variant has been classified as Pathogenic.

Literature cited by the submitters: PubMed 17055431; PubMed 19862557; PubMed 24715559.

NM_006371.5(CRTAP):c.759del (p.Lys254fs)

Gene: CRTAP (cartilage associated protein; plus strand). Cytogenetic location: 3p22.3.
Variant type: Deletion.
Coding change: c.759del on transcript NM_006371.5 (MANE Select); coding-DNA position 759, one base deleted (C; older notation c.759delC).
Protein change: p.Lys254fs; shifts the reading frame from lysine 254.
Molecular consequence: frameshift variant.
Genome position (GRCh38, 1-based): chr3:33,124,545, C deleted. VCF-style (leftmost placement, unchanged base first): chr3-33124544-TC-T. GRCh37 (hg19) VCF-style: chr3-33166036-TC-T.
Other names: c.759del, p.Lys254fs (NM_001393363.1, NM_001393364.1); c.609del, p.Lys204fs (NM_001393365.1); c.759delC, p.Lys254Argfs (NM_006371.4); short protein forms K254fs, K204fs.
Identifiers: ClinVar variation 2886785 (VCV002886785.4), dbSNP rs1218625160, ClinGen allele CA542613002.
Genomic context (GRCh38, chr3:33,124,544, plus strand): 5'-TTCCCGACTTCTTCAAAGCCTTTTACGAGTGTCTCGCAGCCTGCGAGGGTTCCAGGGAGA[TC>T]AAGGACTTCAAGGATTTCTACCTTTCCATAGCAGGTTGGTGGTAGGTCAATAGGCTCACT-3'